The following is an entry in ClinVar:

NM_002474.3(MYH11):c.5439_5441delinsATT (p.Ser1814Phe)

Genes: MYH11 (myosin heavy chain 11; minus strand), NDE1 (nudE neurodevelopment protein 1; plus strand). Cytogenetic location: 16p13.11.
Variant type: Indel.
Coding change: c.5439_5441delinsATT on transcript NM_002474.3 (MANE Select); coding-DNA positions 5439 to 5441, GTC replaced by ATT.
Protein change: p.Ser1814Phe; replaces serine 1814 with phenylalanine.
Molecular consequence: missense variant. On other transcripts: intron variant (2).
Genome position (GRCh38, 1-based): chr16:15,717,203-15,717,205, GAC replaced by AAT on the plus strand (GTC replaced by ATT on the coding strand, the reverse complement: MYH11 is on the minus strand). VCF-style: chr16-15717203-GAC-AAT. GRCh37 (hg19) VCF-style: chr16-15811060-GAC-AAT.
Other names: c.5460_5462delinsATT, p.Ser1821Phe (NM_001040113.2, NM_001040114.2); c.5439_5441delinsATT, p.Ser1814Phe (NM_022844.3); c.948-6988_948-6986delinsAAT (NM_001143979.2, NM_017668.3); short protein forms S1814F, S1821F.
Identifiers: ClinVar variation 4757690 (VCV004757690.1).

ClinVar aggregate classification (germline): Uncertain significance (1 of 4 stars; one submission).

Conditions:
Familial thoracic aortic aneurysm and aortic dissection (TAAD). Also called: Thoracic aortic aneurysms and dissections. Identifiers: Orphanet 91387, MedGen C4707243, MONDO:0019625.

Submission:

Color Diagnostics, LLC DBA Color Health
Classification: Uncertain significance for Familial thoracic aortic aneurysm and aortic dissection. Last evaluated: 2025-08-07. Review status: criteria provided, single submitter. Criteria: ACMG Guidelines, 2015. Collection method: clinical testing. Allele origin: germline.
Comment: This missense variant replaces serine with phenylalanine at codon 1821 of the MYH11 protein. To our knowledge, functional studies have not been reported for this variant. This variant has not been reported in individuals affected with MYH11-related disorders in the literature. This variant has not been identified in the general population by the Genome Aggregation Database (gnomAD). The available evidence is insufficient to determine the role of this variant in disease conclusively. Therefore, this variant is classified as a Variant of Uncertain Significance.